The following is an entry in ClinVar:

NM_000528.4(MAN2B1):c.2237_2240del (p.Asp746fs)

Gene: MAN2B1 (mannosidase alpha class 2B member 1; minus strand). Cytogenetic location: 19p13.13.
Variant type: Microsatellite.
Coding change: c.2237_2240del on transcript NM_000528.4 (MANE Select); coding-DNA positions 2237 to 2240, 4 bases deleted (ACAG; older notation c.2237_2240delACAG).
Protein change: p.Asp746fs; shifts the reading frame from aspartic acid 746.
Molecular consequence: frameshift variant.
Genome position (GRCh38, 1-based): chr19:12,649,940-12,649,943, CTGT deleted on the plus strand (ACAG on the coding strand, the reverse complement: MAN2B1 is on the minus strand); deleting any 4 consecutive bases within chr19:12,649,940-12,649,947 gives the same sequence; the c. name uses the placement nearest the transcript's 3' end. VCF-style (leftmost placement, unchanged base first): chr19-12649939-GCTGT-G. GRCh37 (hg19) VCF-style: chr19-12760753-GCTGT-G.
Other names: c.2234_2237del, p.Asp745fs (NM_001173498.2); short protein forms D745fs, D746fs.
Identifiers: ClinVar variation 2103066 (VCV002103066.5), dbSNP rs750179985, ClinGen allele CA9226151.

ClinVar aggregate classification (germline): Pathogenic/Likely pathogenic. Review status: criteria provided, multiple submitters, no conflicts (2 of 4 stars). 2 submissions from 2 submitters: Pathogenic (1); Likely pathogenic (1). Last evaluated 2026-03-12.

Conditions:
Deficiency of alpha-mannosidase (MANSA). Also called: LYSOSOMAL ALPHA-D-MANNOSIDASE DEFICIENCY; Alpha-Mannosidosis; Mannosidosis, alpha-, types I and II. Identifiers: Orphanet 61, MedGen C0024748, MONDO:0009561, OMIM 248500.

Submissions (2):

Dasa
Classification: Likely pathogenic. Last evaluated: 2026-03-12. Review status: criteria provided, single submitter. Criteria: DASA Assertion Criteria. Collection method: clinical testing. Allele origin: germline.
Comment: NM_000528.4(MAN2B1):c.2237_2240del (p.Asp746Alafs*19) introduces a premature termination codon predicted to result in loss of normal protein function. Loss-of-function is an established mechanism of disease for this gene. The variant is present at low frequency in population datasets. Based on the available data, this variant is classified as likely pathogenic.

Labcorp Genetics (formerly Invitae), Labcorp
Classification: Pathogenic for Deficiency of alpha-mannosidase. Last evaluated: 2022-05-16. Review status: criteria provided, single submitter. Criteria: Invitae Variant Classification Sherloc (09022015). Collection method: clinical testing. Allele origin: germline.
Comment: For these reasons, this variant has been classified as Pathogenic. This variant has not been reported in the literature in individuals affected with MAN2B1-related conditions. This sequence change creates a premature translational stop signal (p.Asp746Alafs*19) in the MAN2B1 gene. It is expected to result in an absent or disrupted protein product. Loss-of-function variants in MAN2B1 are known to be pathogenic (PMID: 9915946, 22161967). This variant is present in population databases (rs750179985, gnomAD 0.003%).

Literature cited by the submitters: PubMed 9915946 (cited by Labcorp Genetics (formerly Invitae), Labcorp); PubMed 22161967 (cited by Labcorp Genetics (formerly Invitae), Labcorp).